The following is an entry in ClinVar:

NM_001277115.2(DNAH11):c.3574C>G (p.Pro1192Ala)

Gene: DNAH11 (dynein axonemal heavy chain 11; plus strand). Cytogenetic location: 7p15.3.
Variant type: single nucleotide variant.
Coding change: c.3574C>G on transcript NM_001277115.2 (MANE Select); coding-DNA position 3574, C replaced by G.
Protein change: p.Pro1192Ala; replaces proline 1192 with alanine.
Molecular consequence: missense variant.
Genome position (GRCh38, 1-based): chr7:21,601,544, C>G. VCF-style: chr7-21601544-C-G. GRCh37 (hg19) VCF-style: chr7-21641162-C-G.
Other names: short protein forms P1192A.
Identifiers: ClinVar variation 3636717 (VCV003636717.2).

ClinVar aggregate classification (germline): Uncertain significance (1 of 4 stars; one submission).

Conditions:
Primary ciliary dyskinesia. Also called: Ciliary dyskinesia. Identifiers: Orphanet 244, MedGen C0008780, MONDO:0016575, HP:0012265.

Submission:

Labcorp Genetics (formerly Invitae), Labcorp
Classification: Uncertain significance for Primary ciliary dyskinesia. Last evaluated: 2024-06-05. Review status: criteria provided, single submitter. Criteria: Invitae Variant Classification Sherloc (09022015). Collection method: clinical testing. Allele origin: germline.
Comment: This sequence change replaces proline, which is neutral and non-polar, with alanine, which is neutral and non-polar, at codon 1192 of the DNAH11 protein (p.Pro1192Ala). This variant is not present in population databases (gnomAD no frequency). This variant has not been reported in the literature in individuals affected with DNAH11-related conditions. Advanced modeling of protein sequence and biophysical properties (such as structural, functional, and spatial information, amino acid conservation, physicochemical variation, residue mobility, and thermodynamic stability) performed at Invitae indicates that this missense variant is not expected to disrupt DNAH11 protein function with a negative predictive value of 95%. In summary, the available evidence is currently insufficient to determine the role of this variant in disease. Therefore, it has been classified as a Variant of Uncertain Significance.